The following is an entry in ClinVar:

ClinVar aggregate classification (germline): Likely benign (0 of 4 stars; one submission).

Conditions:
COL1A1-related disorder. Also called: COL1A1- related disease; COL1A1-related condition.

Submission:

PreventionGenetics, part of Exact Sciences
Classification: Likely benign for COL1A1-related condition. Last evaluated: 2021-04-29. Review status: no assertion criteria provided. Collection method: clinical testing. Allele origin: germline.
Comment: This variant is classified as likely benign based on ACMG/AMP sequence variant interpretation guidelines (Richards et al. 2015 PMID: 25741868, with internal and published modifications).

NM_000088.4(COL1A1):c.*242_*244del

Gene: COL1A1 (collagen type I alpha 1 chain; minus strand). Cytogenetic location: 17q21.33.
Variant type: Deletion.
Coding change: c.*242_*244del on transcript NM_000088.4 (MANE Select); 242 bases downstream of the stop codon through 244 bases downstream of the stop codon, 3 bases deleted (AAA; older notation c.*242_*244delAAA).
Molecular consequence: 3 prime UTR variant.
Genome position (GRCh38, 1-based): chr17:50,185,258-50,185,260, TTT deleted on the plus strand (AAA on the coding strand, the reverse complement: COL1A1 is on the minus strand); deleting any 3 consecutive bases within chr17:50,185,258-50,185,276 gives the same sequence; the c. name uses the placement nearest the transcript's 3' end. VCF-style (leftmost placement, unchanged base first): chr17-50185257-CTTT-C. GRCh37 (hg19) VCF-style: chr17-48262618-CTTT-C.
Other names: c.*242_*244delAAA (NM_000088.3).
Identifiers: ClinVar variation 3043164 (VCV003043164.2), dbSNP rs56302025, ClinGen allele CA984450533.
Genomic context (GRCh38, chr17:50,185,257, plus strand): 5'-CCGCATGGGTCTTCAAGCAAGTGGACCAAGCTTCCTTTTTTAAAAAGTTATTTATTTATT[CTTT>C]TTTTTTTTTTTTTTTTGGTAAGGTTGAATGCACTTTTGGTTTTTGGTCATGTTCGGTTGG-3'